The following is an entry in ClinVar:

ClinVar aggregate classification (germline): Uncertain significance (1 of 4 stars; one submission).

Submission:

GeneDx
Classification: Uncertain significance. Last evaluated: 2024-07-02. Review status: criteria provided, single submitter. Criteria: GeneDx Variant Classification Process June 2021. Collection method: clinical testing. Allele origin: germline. Affected: yes.
Comment: Not observed at significant frequency in large population cohorts (gnomAD); Missense variants in this gene are a common cause of disease and they are underrepresented in the general population; In silico analysis indicates that this missense variant does not alter protein structure/function; Has not been previously published as pathogenic or benign to our knowledge; This variant is associated with the following publications: (PMID: 24860126)

NM_178012.5(TUBB2B):c.16C>T (p.His6Tyr)

Gene: TUBB2B (tubulin beta 2B class IIb; minus strand). Cytogenetic location: 6p25.2.
Variant type: single nucleotide variant.
Coding change: c.16C>T on transcript NM_178012.5 (MANE Select); coding-DNA position 16, C replaced by T.
Protein change: p.His6Tyr; replaces histidine 6 with tyrosine.
Molecular consequence: missense variant.
Genome position (GRCh38, 1-based): chr6:3,227,528, G>A on the plus strand (C>T on the coding strand, the complement: TUBB2B is on the minus strand). VCF-style: chr6-3227528-G-A. GRCh37 (hg19) VCF-style: chr6-3227762-G-A.
Other names: short protein forms H6Y.
Identifiers: ClinVar variation 3393859 (VCV003393859.1).
Genomic context (GRCh38, chr6:3,227,528, plus strand): 5'-TCCGCTGCGGCGCGCCCACCTTGGCGCCGATCTGGTTGCCGCACTGGCCCGCCTGGATGT[G>A]CACGATCTCACGCATGGTGCCTCGTCAGCGTCCTCCTGGTCCGGCGGCGTCTGGGTCTGT-3'
Protein context (NP_821080.1, residues 1-16): MREIV[His6Tyr]IQAGQCGNQI